The following is an entry in ClinVar:

ClinVar aggregate classification (germline): Conflicting classifications of pathogenicity. Review status: criteria provided, conflicting classifications (1 of 4 stars). 3 submissions from 3 submitters: Likely pathogenic (1); Uncertain significance (2). Last evaluated 2025-05-06.

Conditions:
Cardiovascular phenotype. Identifiers: MedGen CN230736.
Telangiectasia, hereditary hemorrhagic, type 2 (HHT2). Also called: Telangiectasia, hereditary hemorrhagic, type II; ACVRL1-Related Hereditary Hemorrhagic Telangiectasia. Identifiers: Orphanet 774, MedGen C1838163, MONDO:0010880, OMIM 600376. Disease mechanism: loss of function.

Submissions (3):

Labcorp Genetics (formerly Invitae), Labcorp
Classification: Uncertain significance for Telangiectasia, hereditary hemorrhagic, type 2. Last evaluated: 2025-05-06. Review status: criteria provided, single submitter. Criteria: Invitae Variant Classification Sherloc (09022015). Collection method: clinical testing. Allele origin: germline.
Comment: This sequence change falls in intron 8 of the ACVRL1 gene. It does not directly change the encoded amino acid sequence of the ACVRL1 protein. It affects a nucleotide within the consensus splice site. This variant is not present in population databases (gnomAD no frequency). This variant has been observed in individual(s) with hereditary hemorrhagic telangiectasia (PMID: 32573726). ClinVar contains an entry for this variant (Variation ID: 982448). Variants that disrupt the consensus splice site are a relatively common cause of aberrant splicing (PMID: 17576681, 9536098). Algorithms developed to predict the effect of sequence changes on RNA splicing suggest that this variant may disrupt the consensus splice site. In summary, the available evidence is currently insufficient to determine the role of this variant in disease. Therefore, it has been classified as a Variant of Uncertain Significance.

Ambry Genetics
Classification: Uncertain significance for Cardiovascular phenotype. Last evaluated: 2022-03-16. Review status: criteria provided, single submitter. Criteria: Ambry Variant Classification Scheme 2023. Collection method: clinical testing. Allele origin: germline.
Comment: The c.1246+5G>A intronic variant results from a G to A substitution 5 nucleotides after coding exon 7 in the ACVRL1 gene. This variant was reported in a hereditary hemorrhagic telangiectasia (HHT) cohort with limited details provided (Shovlin CL et al. Blood, 2020 10;136:1907-1918). This variant is considered to be rare based on population cohorts in the Genome Aggregation Database (gnomAD). This nucleotide position is highly conserved in available vertebrate species. In silico splice site analysis predicts that this alteration will result in the creation or strengthening of a novel splice donor site. Since supporting evidence is limited at this time, the clinical significance of this alteration remains unclear.

NIHR Bioresource Rare Diseases, University of Cambridge
Classification: Likely pathogenic for Telangiectasia, hereditary hemorrhagic, type 2. Last evaluated: 2018-01-01. Review status: criteria provided, single submitter. Criteria: ACMG Guidelines, 2015. Collection method: research. Allele origin: unknown. Affected: yes. Observed: 1 variant allele.
Comment: PM2+PP3+PP4

Literature cited by the submitters: PubMed 32573726 (cited by 3 submitters); PubMed 17576681 (cited by Labcorp Genetics (formerly Invitae), Labcorp); PubMed 9536098 (cited by Labcorp Genetics (formerly Invitae), Labcorp).

NM_000020.3(ACVRL1):c.1246+5G>A

Gene: ACVRL1 (activin A receptor like type 1; plus strand). Cytogenetic location: 12q13.13.
Variant type: single nucleotide variant.
Coding change: c.1246+5G>A on transcript NM_000020.3 (MANE Select); 5 bases into the intron after coding-DNA position 1246, G replaced by A.
Molecular consequence: intron variant.
Genome position (GRCh38, 1-based): chr12:51,916,238, G>A. VCF-style: chr12-51916238-G-A. GRCh37 (hg19) VCF-style: chr12-52310022-G-A.
Other names: c.1246+5G>A (NM_001077401.2).
Identifiers: ClinVar variation 982448 (VCV000982448.6), dbSNP rs1940838881, ClinGen allele CA1139662706.